The following is an entry in ClinVar:

NM_001042492.3(NF1):c.8128G>A (p.Gly2710Ser)

Gene: NF1 (neurofibromin 1; plus strand). Cytogenetic location: 17q11.2.
Variant type: single nucleotide variant.
Coding change: c.8128G>A on transcript NM_001042492.3 (MANE Select); coding-DNA position 8128, G replaced by A.
Protein change: p.Gly2710Ser; replaces glycine 2710 with serine.
Molecular consequence: missense variant.
Genome position (GRCh38, 1-based): chr17:31,358,983, G>A. VCF-style: chr17-31358983-G-A. GRCh37 (hg19) VCF-style: chr17-29686001-G-A.
Other names: c.8065G>A, p.Gly2689Ser (NM_000267.4); short protein forms G2710S, G2689S.
Identifiers: ClinVar variation 2094388 (VCV002094388.4), dbSNP rs2151585981, ClinGen allele CA399204144.

ClinVar aggregate classification (germline): Uncertain significance (1 of 4 stars; one submission).

Conditions:
Neurofibromatosis, type 1 (NF1). Also called: NEUROFIBROMATOSIS, TYPE I, SOMATIC; Neurofibromatosis, type I; Peripheral type neurofibromatosis; VON RECKLINGHAUSEN DISEASE. Identifiers: Orphanet 636, MedGen C0027831, MONDO:0018975, OMIM 162200. Disease mechanism: loss of function.

Submission:

Labcorp Genetics (formerly Invitae), Labcorp
Classification: Uncertain significance for Neurofibromatosis, type 1. Last evaluated: 2022-02-07. Review status: criteria provided, single submitter. Criteria: Invitae Variant Classification Sherloc (09022015). Collection method: clinical testing. Allele origin: germline.
Comment: Algorithms developed to predict the effect of sequence changes on RNA splicing suggest that this variant may create or strengthen a splice site. This sequence change replaces glycine, which is neutral and non-polar, with serine, which is neutral and polar, at codon 2689 of the NF1 protein (p.Gly2689Ser). This variant is not present in population databases (gnomAD no frequency). This variant has not been reported in the literature in individuals affected with NF1-related conditions. Advanced modeling of protein sequence and biophysical properties (such as structural, functional, and spatial information, amino acid conservation, physicochemical variation, residue mobility, and thermodynamic stability) performed at Invitae indicates that this missense variant is expected to disrupt NF1 protein function. In summary, the available evidence is currently insufficient to determine the role of this variant in disease. Therefore, it has been classified as a Variant of Uncertain Significance.